The following is an entry in ClinVar:

NM_004369.4(COL6A3):c.2180A>C (p.Tyr727Ser)

Gene: COL6A3 (collagen type VI alpha 3 chain; minus strand). Cytogenetic location: 2q37.3.
Variant type: single nucleotide variant.
Coding change: c.2180A>C on transcript NM_004369.4 (MANE Select); coding-DNA position 2180, A replaced by C.
Protein change: p.Tyr727Ser; replaces tyrosine 727 with serine.
Molecular consequence: missense variant. On other transcripts: intron variant (1).
Genome position (GRCh38, 1-based): chr2:237,378,953, T>G on the plus strand (A>C on the coding strand, the complement: COL6A3 is on the minus strand). VCF-style: chr2-237378953-T-G. GRCh37 (hg19) VCF-style: chr2-238287596-T-G.
Other names: c.959A>C, p.Tyr320Ser (NM_057164.5); c.1562A>C, p.Tyr521Ser (NM_057165.5, NM_057167.4); c.677-1609A>C (NM_057166.5); short protein forms Y727S, Y320S, Y521S.
Identifiers: ClinVar variation 283049 (VCV000283049.19), dbSNP rs113393241, ClinGen allele CA2189462.

ClinVar aggregate classification (germline): Conflicting classifications of pathogenicity. Review status: criteria provided, conflicting classifications (1 of 4 stars). 5 submissions from 5 submitters: Uncertain significance (4); Likely benign (1). Last evaluated 2026-01-24.

Conditions:
Limb-girdle muscular dystrophy (LGMD). Also called: Muscular Dystrophies, Limb-Girdle. Identifiers: Orphanet 263, MedGen C0686353, MeSH D049288, MONDO:0016971, HP:0006785.
Bethlem myopathy 1A. Also called: Bethlem myopathy 1; MYOPATHY, BENIGN CONGENITAL, WITH CONTRACTURES; Bethlem Muscular Dystrophy. Identifiers: Orphanet 610, MedGen CN029274, MONDO:0024530, OMIM 158810.

Allele frequency attached by ClinVar (database versions not stated): TOPMed 0.00004.
gnomAD v4.1: 140 of 1,614,086 alleles (0.0087%); highest among the groups gnomAD compares: Non-Finnish European, 0.011%; no homozygotes.

Submissions (5):

Labcorp Genetics (formerly Invitae), Labcorp
Classification: Likely benign for Bethlem myopathy 1A. Last evaluated: 2026-01-24. Review status: criteria provided, single submitter. Criteria: Invitae Variant Classification Sherloc (09022015). Collection method: clinical testing. Allele origin: germline.

Revvity Omics, Revvity
Classification: Uncertain significance. Last evaluated: 2021-02-11. Review status: criteria provided, single submitter. Criteria: ACMG Guidelines, 2015. Collection method: clinical testing. Allele origin: germline.

GeneDx
Classification: Uncertain significance. Last evaluated: 2020-09-21. Review status: criteria provided, single submitter. Criteria: GeneDx Variant Classification Process June 2021. Collection method: clinical testing. Allele origin: germline. Affected: yes.
Comment: Observed in a patient with features suggestive of LGMD (Nallamilli et al, 2018); In silico analysis supports that this missense variant does not alter protein structure/function; This variant is associated with the following publications: (PMID: 30564623, 30467950)

Cambridge Genomics Laboratory, East Genomic Laboratory Hub, NHS Genomic Medicine Service
Classification: Uncertain significance for Limb-girdle muscular dystrophy. Last evaluated: 2019-04-17. Review status: criteria provided, single submitter. Criteria: ACGS Best Practice Guidelines for Variant Classification in Rare Disease 2020. Collection method: clinical testing. Allele origin: germline. Affected: yes. Observed: 1 variant allele.

Eurofins Ntd Llc (ga)
Classification: Uncertain significance. Last evaluated: 2016-10-04. Review status: criteria provided, single submitter. Criteria: EGL Classification Definitions 2015. Collection method: clinical testing. Allele origin: germline. Observed: 2 variant alleles, 2 heterozygotes.